The following is an entry in ClinVar:

ClinVar aggregate classification (germline): Uncertain significance (1 of 4 stars; one submission).

Conditions:
Inborn genetic diseases. Identifiers: MedGen C0950123, MeSH D030342.

Allele frequency attached by ClinVar (database versions not stated): TOPMed below 0.00001; ExAC 0.00001; gnomAD exomes 0.00001.
gnomAD v4.1: 4 of 1,613,092 alleles (0.00025%); highest among the groups gnomAD compares: Admixed American, 0.0067%; no homozygotes.

Submission:

Ambry Genetics
Classification: Uncertain significance for Inborn genetic diseases. Last evaluated: 2022-02-18. Review status: criteria provided, single submitter. Criteria: Ambry Variant Classification Scheme 2023. Collection method: clinical testing. Allele origin: germline.
Comment: The c.928+4A>T intronic alteration consists of a A to T substitution 4 nucleotides after exon 6 (coding exon 5) of the CDON gene. Based on insufficient or conflicting evidence, the clinical significance of this alteration remains unclear.

NM_001378964.1(CDON):c.928+4A>T

Gene: CDON (cell adhesion associated, oncogene regulated; minus strand). Cytogenetic location: 11q24.2.
Variant type: single nucleotide variant.
Coding change: c.928+4A>T on transcript NM_001378964.1 (MANE Select); 4 bases into the intron after coding-DNA position 928, A replaced by T.
Molecular consequence: intron variant.
Genome position (GRCh38, 1-based): chr11:126,017,084, T>A on the plus strand (A>T on the coding strand, the complement: CDON is on the minus strand). VCF-style: chr11-126017084-T-A. GRCh37 (hg19) VCF-style: chr11-125886979-T-A.
Other names: c.928+4A>T (NM_001243597.3, NM_001441164.1, NM_001441162.1 and 5 more transcripts).
Identifiers: ClinVar variation 2269986 (VCV002269986.2), dbSNP rs771088142, ClinGen allele CA6352214.
Genomic context (GRCh38, chr11:126,017,084, plus strand): 5'-TTCAGGTATCAGTTAGACCAGAAAAATGGCTTCATTTGAAAAAAATTAAAAACTAACATC[T>A]TACCAAGTACATTAACCATGTAAGTCACATATTTTACATCTCCAGACTTGTTTCCCGCCA-3'